The following is an entry in ClinVar:

NM_006767.4(LZTR1):c.1639A>C (p.Ile547Leu)

Gene: LZTR1 (leucine zipper like post translational regulator 1; plus strand). Cytogenetic location: 22q11.21.
Variant type: single nucleotide variant.
Coding change: c.1639A>C on transcript NM_006767.4 (MANE Select); coding-DNA position 1639, A replaced by C.
Protein change: p.Ile547Leu; replaces isoleucine 547 with leucine.
Molecular consequence: missense variant.
Genome position (GRCh38, 1-based): chr22:20,994,581, A>C. VCF-style: chr22-20994581-A-C. GRCh37 (hg19) VCF-style: chr22-21348870-A-C.
Other names: short protein forms I547L.
Identifiers: ClinVar variation 3993832 (VCV003993832.1).

ClinVar aggregate classification (germline): Uncertain significance (1 of 4 stars; one submission).

Conditions:
Cardiovascular phenotype. Identifiers: MedGen CN230736.
Hereditary cancer-predisposing syndrome. Also called: Tumor predisposition; Hereditary neoplastic syndrome; Neoplastic Syndromes, Hereditary; Hereditary Cancer Syndrome. Identifiers: Orphanet 140162, MedGen C0027672, MeSH D009386, MONDO:0015356.

Submission:

Ambry Genetics
Classification: Uncertain significance for Cardiovascular phenotype; Hereditary cancer-predisposing syndrome. Last evaluated: 2025-05-19. Review status: criteria provided, single submitter. Criteria: Ambry Variant Classification Scheme 2023. Collection method: clinical testing. Allele origin: germline.
Comment: The p.I547L variant (also known as c.1639A>C), located in coding exon 15 of the LZTR1 gene, results from an A to C substitution at nucleotide position 1639. The isoleucine at codon 547 is replaced by leucine, an amino acid with highly similar properties. This amino acid position is conserved. In addition, this alteration is predicted to be tolerated by in silico analysis. Based on the available evidence, the clinical significance of this variant remains unclear.